The following is an entry in ClinVar:

NM_005458.8(GABBR2):c.761A>G (p.Gln254Arg)

Gene: GABBR2 (gamma-aminobutyric acid type B receptor subunit 2; minus strand). Cytogenetic location: 9q22.33.
Variant type: single nucleotide variant.
Coding change: c.761A>G on transcript NM_005458.8 (MANE Select); coding-DNA position 761, A replaced by G.
Protein change: p.Gln254Arg; replaces glutamine 254 with arginine.
Molecular consequence: missense variant.
Genome position (GRCh38, 1-based): chr9:98,480,969, T>C on the plus strand (A>G on the coding strand, the complement: GABBR2 is on the minus strand). VCF-style: chr9-98480969-T-C. GRCh37 (hg19) VCF-style: chr9-101243251-T-C.
Other names: short protein forms Q254R.
Identifiers: ClinVar variation 3370706 (VCV003370706.1).
Genomic context (GRCh38, chr9:98,480,969, plus strand): 5'-AATGATACAACTGTTTTACTTACACAACAGAACACTTTTGCTGCCATATTCTGGTCAAAC[T>C]GGCCAAGGATGATCCGCACATCATTCCCCTGTGGATGGAAGGACACATCATGAAGGTGAG-3'
Protein context (NP_005449.5, residues 244-264): KGNDVRIILG[Gln254Arg]FDQNMAAKVF

ClinVar aggregate classification (germline): Uncertain significance (1 of 4 stars; one submission).

Submission:

GeneDx
Classification: Uncertain significance. Last evaluated: 2024-03-14. Review status: criteria provided, single submitter. Criteria: GeneDx Variant Classification Process June 2021. Collection method: clinical testing. Allele origin: germline. Affected: yes.
Comment: Not observed at significant frequency in large population cohorts (gnomAD); In silico analysis supports that this missense variant does not alter protein structure/function; Has not been previously published as pathogenic or benign to our knowledge